The following is an entry in ClinVar:

ClinVar aggregate classification (germline): Uncertain significance (1 of 4 stars; one submission).

Conditions:
Autosomal dominant Alport syndrome (ATS3A). Also called: ALPORT SYNDROME 3A, AUTOSOMAL DOMINANT; Alport syndrome dominant type; Renal failure and sensorineural hearing loss. Identifiers: Orphanet 63, Orphanet 88918, MedGen C5882663, MONDO:0007086, OMIM 104200.

gnomAD v4.1: 1 of 1,177,122 alleles (0.000085%); highest among the groups gnomAD compares: Non-Finnish European, 0.00013%; no homozygotes.

Submission:

MVZ Medizinische Genetik Mainz
Classification: Uncertain significance for Autosomal dominant Alport syndrome. Last evaluated: 2025-11-26. Review status: criteria provided, single submitter. Criteria: UK Practice Guidelines For Variant Classification V4 01 2020. Collection method: clinical testing. Allele origin: germline. Inheritance: Autosomal dominant inheritance. Affected: yes. Observed: 1 variant allele.
Comment: ACMG Criteria: PM2_SUP,PP4

NM_000091.5(COL4A3):c.2656+91C>A

Genes: COL4A3 (collagen type IV alpha 3 chain; plus strand), MFF-DT (MFF divergent transcript; minus strand). Cytogenetic location: 2q36.3.
Variant type: single nucleotide variant.
Coding change: c.2656+91C>A on transcript NM_000091.5 (MANE Select); 91 bases into the intron after coding-DNA position 2656, C replaced by A.
Molecular consequence: intron variant.
Genome position (GRCh38, 1-based): chr2:227,282,623, C>A. VCF-style: chr2-227282623-C-A. GRCh37 (hg19) VCF-style: chr2-228147339-C-A.
Identifiers: ClinVar variation 4540437 (VCV004540437.1).